The following is an entry in ClinVar:

ClinVar aggregate classification (germline): Benign/Likely benign. Review status: criteria provided, multiple submitters, no conflicts (2 of 4 stars). 6 submissions from 6 submitters: Benign (3); Likely benign (2). 1 of the submissions does not count toward it. Last evaluated 2026-01-21.

Conditions:
Hemorrhage, intracerebral, susceptibility to (ICH). Also called: Stroke, hemorrhagic, susceptibility to. Identifiers: MedGen C3281105, MONDO:0100533, OMIM 614519.
Brain small vessel disease 1 with or without ocular anomalies (BSVD1). Also called: PORENCEPHALY, TYPE 1, AUTOSOMAL DOMINANT; BRAIN SMALL VESSEL DISEASE WITH HEMORRHAGE; GOULD SYNDROME 1; Brain small vessel disease with or without ocular anomalies. Identifiers: Orphanet 2940, Orphanet 36383, Orphanet 99810, MedGen C4755307, MONDO:0008289, OMIM 175780.
Retinal arterial tortuosity. Also called: RETINAL HEMORRHAGE WITH VASCULAR TORTUOSITY; Retinal arteries, tortuosity of. Identifiers: Orphanet 75326, MedGen C0423401, MONDO:0008373, OMIM 180000, HP:0000631.
Autosomal dominant familial hematuria-retinal arteriolar tortuosity-contractures syndrome. Also called: Hereditary Angiopathy with Nephropathy, Aneurysms, and Muscle Cramps (HANAC) Syndrome; Angiopathy, hereditary, with nephropathy, aneurysms, and muscle cramps. Identifiers: Orphanet 73229, MedGen C2673195, MONDO:0012726, OMIM 611773.
Microangiopathy and leukoencephalopathy, pontine, autosomal dominant. Also called: DEMENTIA, HEREDITARY MULTI-INFARCT, SWEDISH TYPE; Pontine autosomal dominant microangiopathy with leukoencephalopathy. Identifiers: Orphanet 477749, MedGen C5231411, MONDO:0032814, OMIM 618564.
COL4A1-related disorder. Also called: COL4A1-related disorders; COL4A1-related condition. Identifiers: MedGen CN376119, MONDO:0800461.

Allele frequency attached by ClinVar (database versions not stated): gnomAD 0.00003; gnomAD exomes 0.00004 and 0.00021; TOPMed 0.00008; 1000 Genomes Project 0.00020; ExAC 0.00026; 1000 Genomes Project 30x 0.00031.
gnomAD v4.1: 67 of 1,610,862 alleles (0.0042%); highest among the groups gnomAD compares: Admixed American, 0.084%; no homozygotes.

Submissions (6):

Labcorp Genetics (formerly Invitae), Labcorp
Classification: Benign. Last evaluated: 2026-01-21. Review status: criteria provided, single submitter. Criteria: Invitae Variant Classification Sherloc (09022015). Collection method: clinical testing. Allele origin: germline.

Athena Diagnostics
Classification: Benign. Last evaluated: 2025-01-03. Review status: criteria provided, single submitter. Criteria: Athena Diagnostics Criteria. Collection method: clinical testing. Allele origin: unknown.
Comment: The frequency of this variant in the general population is higher than would generally be expected for pathogenic variants in this gene.

CeGaT Center for Human Genetics Tuebingen
Classification: Benign. Last evaluated: 2022-05-01. Review status: criteria provided, single submitter. Criteria: CeGaT Center For Human Genetics Tuebingen Variant Classification Criteria Version 2. Collection method: clinical testing. Allele origin: germline. Affected: yes. Observed: 1 variant allele.
Comment: COL4A1: BS1, BS2

Fulgent Genetics
Classification: Likely benign for Brain small vessel disease 1 with or without ocular anomalies; Retinal arterial tortuosity; Autosomal dominant familial hematuria-retinal arteriolar tortuosity-contractures syndrome; Hemorrhage, intracerebral, susceptibility to; Microangiopathy and leukoencephalopathy, pontine, autosomal dominant. Last evaluated: 2021-12-14. Review status: criteria provided, single submitter. Criteria: ACMG Guidelines, 2015. Collection method: clinical testing. Allele origin: unknown.

Blueprint Genetics
Classification: Likely benign. Last evaluated: 2020-11-09. Review status: criteria provided, single submitter. Criteria: ACMG Guidelines, 2015. Collection method: clinical testing. Allele origin: germline.

PreventionGenetics, part of Exact Sciences
Classification: Likely benign for COL4A1-related condition. Last evaluated: 2024-07-01. Review status: no assertion criteria provided. Collection method: clinical testing. Allele origin: germline. Not counted in ClinVar's aggregate classification.
Comment: This variant is classified as likely benign based on ACMG/AMP sequence variant interpretation guidelines (Richards et al. 2015 PMID: 25741868, with internal and published modifications).

NM_001845.6(COL4A1):c.2448G>A (p.Pro816=)

Gene: COL4A1 (collagen type IV alpha 1 chain; minus strand). Cytogenetic location: 13q34.
Variant type: single nucleotide variant.
Coding change: c.2448G>A on transcript NM_001845.6 (MANE Select); coding-DNA position 2448, G replaced by A.
Protein change: p.Pro816=; no amino-acid change (proline 816 retained).
Molecular consequence: synonymous variant.
Genome position (GRCh38, 1-based): chr13:110,178,933, C>T on the plus strand (G>A on the coding strand, the complement: COL4A1 is on the minus strand). VCF-style: chr13-110178933-C-T. GRCh37 (hg19) VCF-style: chr13-110831280-C-T.
Other names: c.2448G>A (NM_001845.4).
Identifiers: ClinVar variation 708895 (VCV000708895.35), dbSNP rs144401828, ClinGen allele CA7047596.